The following is an entry in ClinVar:

NM_001199397.3(NEK1):c.604G>T (p.Ala202Ser)

Gene: NEK1 (NIMA related kinase 1; minus strand). Cytogenetic location: 4q33.
Variant type: single nucleotide variant.
Coding change: c.604G>T on transcript NM_001199397.3 (MANE Select); coding-DNA position 604, G replaced by T.
Protein change: p.Ala202Ser; replaces alanine 202 with serine.
Molecular consequence: missense variant. On other transcripts: non-coding transcript variant (1).
Genome position (GRCh38, 1-based): chr4:169,587,561, C>A on the plus strand (G>T on the coding strand, the complement: NEK1 is on the minus strand). VCF-style: chr4-169587561-C-A. GRCh37 (hg19) VCF-style: chr4-170508712-C-A.
Other names: c.604G>T, p.Ala202Ser (NM_001199398.3, NM_001199399.3, NM_001199400.3 and 7 more transcripts); short protein forms A202S.
Identifiers: ClinVar variation 582346 (VCV000582346.8), dbSNP rs780091818, ClinGen allele CA3138001.

ClinVar aggregate classification (germline): Uncertain significance (1 of 4 stars; one submission).

Conditions:
Short-rib thoracic dysplasia 6 with or without polydactyly (SRTD6). Also called: Majewski Syndrome; SHORT RIB-POLYDACTYLY SYNDROME, TYPE IIA; SHORT-RIB THORACIC DYSPLASIA 6 WITH POLYDACTYLY; SHORT-RIB THORACIC DYSPLASIA 6 WITHOUT POLYDACTYLY; POLYDACTYLY WITH NEONATAL CHONDRODYSTROPHY, TYPE II. Identifiers: MedGen C0024507, MONDO:0009894, OMIM 263520.

Allele frequency attached by ClinVar (database versions not stated): gnomAD below 0.00001 and 0.00001; gnomAD exomes 0.00002; ExAC 0.00004.
gnomAD v4.1: 23 of 1,485,276 alleles (0.0015%); highest among the groups gnomAD compares: South Asian, 0.025%; 1 homozygote.

Submission:

Labcorp Genetics (formerly Invitae), Labcorp
Classification: Uncertain significance for Short-rib thoracic dysplasia 6 with or without polydactyly. Last evaluated: 2022-06-04. Review status: criteria provided, single submitter. Criteria: Invitae Variant Classification Sherloc (09022015). Collection method: clinical testing. Allele origin: germline.
Comment: This sequence change replaces alanine, which is neutral and non-polar, with serine, which is neutral and polar, at codon 202 of the NEK1 protein (p.Ala202Ser). The frequency data for this variant in the population databases is considered unreliable, as metrics indicate poor data quality at this position in the gnomAD database. This variant has not been reported in the literature in individuals affected with NEK1-related conditions. ClinVar contains an entry for this variant (Variation ID: 582346). Algorithms developed to predict the effect of missense changes on protein structure and function (SIFT, PolyPhen-2, Align-GVGD) all suggest that this variant is likely to be disruptive. In summary, the available evidence is currently insufficient to determine the role of this variant in disease. Therefore, it has been classified as a Variant of Uncertain Significance.